The following is an entry in ClinVar:

ClinVar aggregate classification (germline): Uncertain significance (1 of 4 stars; one submission).

Submission:

Labcorp Genetics (formerly Invitae), Labcorp
Classification: Uncertain significance. Last evaluated: 2022-07-06. Review status: criteria provided, single submitter. Criteria: Invitae Variant Classification Sherloc (09022015). Collection method: clinical testing. Allele origin: germline.
Comment: In summary, the available evidence is currently insufficient to determine the role of this variant in disease. Therefore, it has been classified as a Variant of Uncertain Significance. Algorithms developed to predict the effect of missense changes on protein structure and function are either unavailable or do not agree on the potential impact of this missense change (SIFT: "Tolerated"; PolyPhen-2: "Possibly Damaging"; Align-GVGD: "Class C0"). ClinVar contains an entry for this variant (Variation ID: 1047016). This variant has not been reported in the literature in individuals affected with ATR-related conditions. This variant is not present in population databases (gnomAD no frequency). This sequence change replaces isoleucine, which is neutral and non-polar, with valine, which is neutral and non-polar, at codon 2345 of the ATR protein (p.Ile2345Val).

NM_001184.4(ATR):c.7033A>G (p.Ile2345Val)

Gene: ATR (ATR serine/threonine kinase; minus strand). Cytogenetic location: 3q23.
Variant type: single nucleotide variant.
Coding change: c.7033A>G on transcript NM_001184.4 (MANE Select); coding-DNA position 7033, A replaced by G.
Protein change: p.Ile2345Val; replaces isoleucine 2345 with valine.
Molecular consequence: missense variant.
Genome position (GRCh38, 1-based): chr3:142,465,105, T>C on the plus strand (A>G on the coding strand, the complement: ATR is on the minus strand). VCF-style: chr3-142465105-T-C. GRCh37 (hg19) VCF-style: chr3-142183947-T-C.
Other names: c.6841A>G, p.Ile2281Val (NM_001354579.2); short protein forms I2281V, I2345V.
Identifiers: ClinVar variation 1047016 (VCV001047016.6), dbSNP rs2071097924, ClinGen allele CA354800472.